The following is an entry in ClinVar:

NM_007317.3(KIF22):c.1045A>G (p.Arg349Gly)

Gene: KIF22 (kinesin family member 22; plus strand). Cytogenetic location: 16p11.2.
Variant type: single nucleotide variant.
Coding change: c.1045A>G on transcript NM_007317.3 (MANE Select); coding-DNA position 1045, A replaced by G.
Protein change: p.Arg349Gly; replaces arginine 349 with glycine.
Molecular consequence: missense variant.
Genome position (GRCh38, 1-based): chr16:29,799,682, A>G. VCF-style: chr16-29799682-A-G. GRCh37 (hg19) VCF-style: chr16-29811003-A-G.
Other names: c.841A>G, p.Arg281Gly (NM_001256269.2, NM_001256270.1); short protein forms R281G, R349G.
Identifiers: ClinVar variation 1374438 (VCV001374438.8), dbSNP rs2142374117, ClinGen allele CA395454562.

ClinVar aggregate classification (germline): Uncertain significance (1 of 4 stars; one submission).

Submission:

Labcorp Genetics (formerly Invitae), Labcorp
Classification: Uncertain significance. Last evaluated: 2022-12-06. Review status: criteria provided, single submitter. Criteria: Invitae Variant Classification Sherloc (09022015). Collection method: clinical testing. Allele origin: germline.
Comment: In summary, the available evidence is currently insufficient to determine the role of this variant in disease. Therefore, it has been classified as a Variant of Uncertain Significance. This variant is not present in population databases (gnomAD no frequency). This variant has not been reported in the literature in individuals affected with KIF22-related conditions. ClinVar contains an entry for this variant (Variation ID: 1374438). Advanced modeling of protein sequence and biophysical properties (such as structural, functional, and spatial information, amino acid conservation, physicochemical variation, residue mobility, and thermodynamic stability) performed at Invitae indicates that this missense variant is not expected to disrupt KIF22 protein function. This sequence change replaces arginine, which is basic and polar, with glycine, which is neutral and non-polar, at codon 349 of the KIF22 protein (p.Arg349Gly).